The following is an entry in ClinVar:

ClinVar aggregate classification (germline): Likely pathogenic (1 of 4 stars; one submission).

Allele frequency attached by ClinVar (database versions not stated): gnomAD exomes below 0.00001.
gnomAD v4.1: 1 of 1,614,038 alleles (0.000062%); highest among the groups gnomAD compares: Admixed American, 0.0017%; no homozygotes.

Submission:

GeneDx
Classification: Likely pathogenic. Last evaluated: 2018-12-24. Review status: criteria provided, single submitter. Criteria: GeneDx Variant Classification Process June 2021. Collection method: clinical testing. Allele origin: germline. Affected: yes.
Comment: Canonical splice site variant expected to result in aberrant splicing, although in the absence of functional evidence the actual effect of this sequence change is unknown.; Not observed at significant frequency in large population cohorts (Lek et al., 2016)

NM_000302.4(PLOD1):c.975+1G>C

Gene: PLOD1 (procollagen-lysine,2-oxoglutarate 5-dioxygenase 1; plus strand). Cytogenetic location: 1p36.22.
Variant type: single nucleotide variant.
Coding change: c.975+1G>C on transcript NM_000302.4 (MANE Select); the canonical splice donor site of the intron after coding-DNA position 975, G replaced by C.
Molecular consequence: splice donor variant.
Genome position (GRCh38, 1-based): chr1:11,958,648, G>C. VCF-style: chr1-11958648-G-C. GRCh37 (hg19) VCF-style: chr1-12018705-G-C.
Other names: c.1116+1G>C (NM_001316320.2).
Identifiers: ClinVar variation 1190583 (VCV001190583.2), dbSNP rs1411944871, ClinGen allele CA338435227.